The following is an entry in ClinVar:

NM_004168.4(SDHA):c.1582G>A (p.Val528Met)

Gene: SDHA (succinate dehydrogenase complex flavoprotein subunit A; plus strand). Cytogenetic location: 5p15.33.
Variant type: single nucleotide variant.
Coding change: c.1582G>A on transcript NM_004168.4 (MANE Select); coding-DNA position 1582, G replaced by A.
Protein change: p.Val528Met; replaces valine 528 with methionine.
Molecular consequence: missense variant. On other transcripts: intron variant (1).
Genome position (GRCh38, 1-based): chr5:251,022, G>A. VCF-style: chr5-251022-G-A. GRCh37 (hg19) VCF-style: chr5-251137-G-A.
Other names: c.1438G>A, p.Val480Met (NM_001294332.2); c.1552-3371G>A (NM_001330758.2); short protein forms V528M, V480M.
Identifiers: ClinVar variation 486384 (VCV000486384.9), dbSNP rs1554001827, ClinGen allele CA358998469.

ClinVar aggregate classification (germline): Uncertain significance. Review status: criteria provided, multiple submitters, no conflicts (2 of 4 stars). 3 submissions from 3 submitters: Uncertain significance (3). Last evaluated 2024-04-01.

Conditions:
Dilated cardiomyopathy 1GG (CMD1GG). Identifiers: Orphanet 154, MedGen C3150898, MONDO:0013339, OMIM 613642.
Mitochondrial complex II deficiency, nuclear type 1. Also called: SUCCINATE CoQ REDUCTASE DEFICIENCY. Identifiers: Orphanet 3208, MedGen C5700310, MONDO:0100294, OMIM 252011.
Pheochromocytoma/paraganglioma syndrome 5. Also called: Paragangliomas 5; SDHA-Related Hereditary Paraganglioma-Pheochromocytoma Syndrome. Identifiers: Orphanet 29072, MedGen C3279992, MONDO:0013602, OMIM 614165.
Hereditary cancer-predisposing syndrome. Also called: Neoplastic Syndromes, Hereditary; Hereditary Cancer Syndrome; Hereditary neoplastic syndrome; Tumor predisposition. Identifiers: Orphanet 140162, MedGen C0027672, MeSH D009386, MONDO:0015356.

Submissions (3):

Labcorp Genetics (formerly Invitae), Labcorp
Classification: Uncertain significance for Pheochromocytoma/paraganglioma syndrome 5; Mitochondrial complex II deficiency, nuclear type 1. Last evaluated: 2024-04-01. Review status: criteria provided, single submitter. Criteria: Invitae Variant Classification Sherloc (09022015). Collection method: clinical testing. Allele origin: germline.
Comment: This sequence change replaces valine, which is neutral and non-polar, with methionine, which is neutral and non-polar, at codon 528 of the SDHA protein (p.Val528Met). This variant is not present in population databases (gnomAD no frequency). This variant has not been reported in the literature in individuals affected with SDHA-related conditions. ClinVar contains an entry for this variant (Variation ID: 486384). Advanced modeling of protein sequence and biophysical properties (such as structural, functional, and spatial information, amino acid conservation, physicochemical variation, residue mobility, and thermodynamic stability) performed at Invitae indicates that this missense variant is not expected to disrupt SDHA protein function with a negative predictive value of 95%. In summary, the available evidence is currently insufficient to determine the role of this variant in disease. Therefore, it has been classified as a Variant of Uncertain Significance.

Baylor Genetics
Classification: Uncertain significance for Dilated cardiomyopathy 1GG. Last evaluated: 2024-01-17. Review status: criteria provided, single submitter. Criteria: ACMG Guidelines, 2015. Collection method: clinical testing. Allele origin: unknown.

Ambry Genetics
Classification: Uncertain significance for Hereditary cancer-predisposing syndrome. Last evaluated: 2016-04-19. Review status: criteria provided, single submitter. Criteria: Ambry Variant Classification Scheme 2023. Collection method: clinical testing. Allele origin: germline.
Comment: The p.V528M variant (also known as c.1582G>A), located in coding exon 12 of the SDHA gene, results from a G to A substitution at nucleotide position 1582. The valine at codon 528 is replaced by methionine, an amino acid with highly similar properties. This variant was not reported in population based cohorts in the following databases: Database of Single Nucleotide Polymorphisms (dbSNP), NHLBI Exome Sequencing Project (ESP), and 1000 Genomes Project. In the ESP, this variant was not observed in 6503 samples (13006 alleles) with coverage at this position. To date, this alteration has been detected with an allele frequency of approximately 0.01% (greater than 10000 alleles tested) in our clinical cohort. This amino acid position is not well conserved in available vertebrate species. In addition, this alteration is predicted to be tolerated by in silico analysis. Since supporting evidence is limited at this time, the clinical significance of this alteration remains unclear.